The following is an entry in ClinVar:

ClinVar aggregate classification (germline): Uncertain significance (1 of 4 stars; one submission).

Conditions:
Nemaline myopathy 2 (NEM2). Also called: Nemaline myopathy 2, autosomal recessive. Identifiers: MedGen C1850569, MONDO:0009725, OMIM 256030.

gnomAD v4.1: 3 of 1,612,756 alleles (0.00019%); highest among the groups gnomAD compares: Middle Eastern, 0.033%; 1 homozygote.

Submission:

Labcorp Genetics (formerly Invitae), Labcorp
Classification: Uncertain significance for Nemaline myopathy 2. Last evaluated: 2024-02-17. Review status: criteria provided, single submitter. Criteria: Invitae Variant Classification Sherloc (09022015). Collection method: clinical testing. Allele origin: germline.
Comment: This sequence change replaces glutamine, which is neutral and polar, with histidine, which is basic and polar, at codon 487 of the NEB protein (p.Gln487His). This variant is not present in population databases (gnomAD no frequency). This variant has not been reported in the literature in individuals affected with NEB-related conditions. ClinVar contains an entry for this variant (Variation ID: 2148889). Experimental studies and prediction algorithms are not available or were not evaluated, and the functional significance of this variant is currently unknown. In summary, the available evidence is currently insufficient to determine the role of this variant in disease. Therefore, it has been classified as a Variant of Uncertain Significance.

NM_001164508.2(NEB):c.1461G>T (p.Gln487His)

Gene: NEB (nebulin; minus strand). Cytogenetic location: 2q23.3.
Variant type: single nucleotide variant.
Coding change: c.1461G>T on transcript NM_001164508.2 (MANE Select); coding-DNA position 1461, G replaced by T.
Protein change: p.Gln487His; replaces glutamine 487 with histidine.
Molecular consequence: missense variant.
Genome position (GRCh38, 1-based): chr2:151,697,157, C>A on the plus strand (G>T on the coding strand, the complement: NEB is on the minus strand). VCF-style: chr2-151697157-C-A. GRCh37 (hg19) VCF-style: chr2-152553671-C-A.
Other names: c.1461G>T, p.Gln487His (NM_001164507.2, NM_001271208.2, NM_004543.5); short protein forms Q487H.
Identifiers: ClinVar variation 2148889 (VCV002148889.3), dbSNP rs2552269892, ClinGen allele CA348825306.